The following is an entry in ClinVar:

NM_015340.4(LARS2):c.1351C>T (p.Arg451Trp)

Genes: LARS2 (leucyl-tRNA synthetase 2, mitochondrial; plus strand), LARS2-AS1 (LARS2 antisense RNA 1; minus strand). Cytogenetic location: 3p21.31.
Variant type: single nucleotide variant.
Coding change: c.1351C>T on transcript NM_015340.4 (MANE Select); coding-DNA position 1351, C replaced by T.
Protein change: p.Arg451Trp; replaces arginine 451 with tryptophan.
Molecular consequence: missense variant.
Genome position (GRCh38, 1-based): chr3:45,491,628, C>T. VCF-style: chr3-45491628-C-T. GRCh37 (hg19) VCF-style: chr3-45533120-C-T.
Other names: c.1351C>T, p.Arg451Trp (NM_001368263.1); short protein forms R451W.
Identifiers: ClinVar variation 3363656 (VCV003363656.2).

ClinVar aggregate classification (germline): Conflicting classifications of pathogenicity. Review status: criteria provided, conflicting classifications (1 of 4 stars). 2 submissions from 2 submitters: Likely pathogenic (1); Uncertain significance (1). Last evaluated 2026-01-14.

Conditions:
Perrault syndrome 4 (PRLTS4). Identifiers: Orphanet 2855, MedGen C3809105, MONDO:0014126, OMIM 615300.

gnomAD v4.1: 95 of 1,614,222 alleles (0.0059%); highest among the groups gnomAD compares: South Asian, 0.0088%; no homozygotes.

Submissions (2):

Clinical Genetics Laboratory, Skane University Hospital Lund
Classification: Likely pathogenic for Perrault syndrome 4. Last evaluated: 2026-01-14. Review status: criteria provided, single submitter. Criteria: ACMG Guidelines, 2015. Collection method: clinical testing. Allele origin: germline. Affected: yes.
Comment: PM2, PM3, PP1, PP3 samt PP4_moderate

GeneDx
Classification: Uncertain significance. Last evaluated: 2023-11-05. Review status: criteria provided, single submitter. Criteria: GeneDx Variant Classification Process June 2021. Collection method: clinical testing. Allele origin: germline. Affected: yes.
Comment: Has not been previously published as pathogenic or benign to our knowledge; In silico analysis supports that this missense variant has a deleterious effect on protein structure/function